The following is an entry in ClinVar:

NM_004415.4(DSP):c.3627G>C (p.Lys1209Asn)

Gene: DSP (desmoplakin; plus strand). Cytogenetic location: 6p24.3.
Variant type: single nucleotide variant.
Coding change: c.3627G>C on transcript NM_004415.4 (MANE Select); coding-DNA position 3627, G replaced by C.
Protein change: p.Lys1209Asn; replaces lysine 1209 with asparagine.
Molecular consequence: missense variant. On other transcripts: intron variant (1).
Genome position (GRCh38, 1-based): chr6:7,579,817, G>C. VCF-style: chr6-7579817-G-C. GRCh37 (hg19) VCF-style: chr6-7580050-G-C.
Other names: c.3627G>C, p.Lys1209Asn (NM_001319034.2); c.3582+45G>C (NM_001008844.3); short protein forms K1209N.
Identifiers: ClinVar variation 3072043 (VCV003072043.1), dbSNP rs1759361847, ClinGen allele CA362684497.

ClinVar aggregate classification (germline): Uncertain significance (1 of 4 stars; one submission).

Conditions:
Arrhythmogenic cardiomyopathy with wooly hair and keratoderma. Also called: PALMOPLANTAR KERATODERMA WITH LEFT VENTRICULAR CARDIOMYOPATHY AND WOOLLY HAIR; Carvajal syndrome; Dilated cardiomyopathy with woolly hair and keratoderma; Arrhythmogenic cardiomyopathy with woolly hair and keratoderma. Identifiers: Orphanet 65282, MedGen C1854063, MONDO:0011581, OMIM 605676.

Submission:

All of Us Research Program, National Institutes of Health
Classification: Uncertain significance for Arrhythmogenic cardiomyopathy with wooly hair and keratoderma. Last evaluated: 2023-06-26. Review status: criteria provided, single submitter. Criteria: ACMG Guidelines, 2015. Collection method: clinical testing. Allele origin: germline. Inheritance: Autosomal dominant inheritance. Observed: 1 variant allele, 1 heterozygote.
Comment: This missense variant replaces lysine with asparagine at codon 1209 of the DSP protein. Computational prediction suggests that this variant may not impact protein structure and function (internally defined REVEL score threshold <= 0.5, PMID: 27666373). To our knowledge, functional studies have not been reported for this variant. This variant has not been reported in individuals affected with DSP-related disorders in the literature. This variant has not been identified in the general population by the Genome Aggregation Database (gnomAD). The available evidence is insufficient to determine the role of this variant in disease conclusively. Therefore, this variant is classified as a Variant of Uncertain Significance.

This study involves interpretation of variants in research participants for the purpose of population health screening. Participant phenotype was not available at the time of variant classification. Additional details can be found in publication PMID: 35346344, PMCID: PMC8962531